The following is an entry in ClinVar:

ClinVar aggregate classification (germline): Pathogenic (1 of 4 stars; one submission).

Conditions:
COG5-congenital disorder of glycosylation. Also called: CONGENITAL DISORDER OF GLYCOSYLATION, TYPE IIi; COG5-CDG; CDG IIi. Identifiers: Orphanet 263487, MedGen C3150876, MONDO:0013325, OMIM 613612.

Submission:

Labcorp Genetics (formerly Invitae), Labcorp
Classification: Pathogenic for COG5-congenital disorder of glycosylation. Last evaluated: 2022-12-02. Review status: criteria provided, single submitter. Criteria: Invitae Variant Classification Sherloc (09022015). Collection method: clinical testing. Allele origin: unknown.
Comment: For these reasons, this variant has been classified as Pathogenic. This variant disrupts a region of the COG5 protein in which other variant(s) (p.Glu840*) have been determined to be pathogenic (Invitae). This suggests that this is a clinically significant region of the protein, and that variants that disrupt it are likely to be disease-causing. This variant has not been reported in the literature in individuals affected with COG5-related conditions. This variant is a gross deletion of the genomic region encompassing exon(s) 11-22 of the COG5 gene, which includes the termination codon. This deletion extends beyond the assayed region for this gene and therefore may encompass additional genes. While this deletion is not anticipated to lead to nonsense mediated decay, it is expected to alter mRNA translation or result in a truncated protein product.

NC_000007.13:g.(?_106843961)_(106964986_?)del

Gene: COG5 (component of oligomeric golgi complex 5; minus strand). Cytogenetic location: 7q22.3.
Variant type: Deletion.
Identifiers: ClinVar variation 3245790 (VCV003245790.1).